The following is an entry in ClinVar:

ClinVar aggregate classification (germline): Uncertain significance (1 of 4 stars; one submission).

Conditions:
Parathyroid carcinoma (PRTC). Also called: CDC73-Related Parathyroid Carcinoma; Parathyroid gland carcinoma. Identifiers: Orphanet 143, MedGen C0687150, MONDO:0012004, OMIM 608266, HP:0006780.

Submission:

Labcorp Genetics (formerly Invitae), Labcorp
Classification: Uncertain significance for Parathyroid carcinoma. Last evaluated: 2025-03-09. Review status: criteria provided, single submitter. Criteria: Invitae Variant Classification Sherloc (09022015). Collection method: clinical testing. Allele origin: germline.
Comment: This sequence change replaces tyrosine, which is neutral and polar, with serine, which is neutral and polar, at codon 55 of the CDC73 protein (p.Tyr55Ser). This variant is not present in population databases (gnomAD no frequency). This missense change has been observed in individuals with clinical features of hyperparathyroidism-jaw tumor syndrome and/or kidney tumor (PMID: 25444225, 37339334; internal data). Invitae Evidence Modeling of protein sequence and biophysical properties (such as structural, functional, and spatial information, amino acid conservation, physicochemical variation, residue mobility, and thermodynamic stability) indicates that this missense variant is expected to disrupt CDC73 protein function with a positive predictive value of 80%. Experimental studies have shown that this missense change affects CDC73 function (PMID: 32590342). In summary, the available evidence is currently insufficient to determine the role of this variant in disease. Therefore, it has been classified as a Variant of Uncertain Significance.

Literature cited by the submitters: PubMed 25444225; PubMed 37339334; PubMed 32590342.

NM_024529.5(CDC73):c.164A>C (p.Tyr55Ser)

Gene: CDC73 (cell division cycle 73; plus strand). Cytogenetic location: 1q31.2.
Variant type: single nucleotide variant.
Coding change: c.164A>C on transcript NM_024529.5 (MANE Select); coding-DNA position 164, A replaced by C.
Protein change: p.Tyr55Ser; replaces tyrosine 55 with serine.
Molecular consequence: missense variant.
Genome position (GRCh38, 1-based): chr1:193,125,144, A>C. VCF-style: chr1-193125144-A-C. GRCh37 (hg19) VCF-style: chr1-193094274-A-C.
Other names: short protein forms Y55S.
Identifiers: ClinVar variation 4746905 (VCV004746905.1).